The following is an entry in ClinVar:

NM_000540.3(RYR1):c.8277G>A (p.Ala2759=)

Gene: RYR1 (ryanodine receptor 1; plus strand). Cytogenetic location: 19q13.2.
Variant type: single nucleotide variant.
Coding change: c.8277G>A on transcript NM_000540.3 (MANE Select); coding-DNA position 8277, G replaced by A.
Protein change: p.Ala2759=; no amino-acid change (alanine 2759 retained).
Molecular consequence: synonymous variant.
Genome position (GRCh38, 1-based): chr19:38,505,048, G>A. VCF-style: chr19-38505048-G-A. GRCh37 (hg19) VCF-style: chr19-38995688-G-A.
Other names: c.8277G>A, p.Ala2759= (NM_001042723.2).
Identifiers: ClinVar variation 507626 (VCV000507626.34), dbSNP rs375159951, ClinGen allele CA071752.

ClinVar aggregate classification (germline): Likely benign. Review status: criteria provided, multiple submitters, no conflicts (2 of 4 stars). 5 submissions from 5 submitters: Likely benign (5). Last evaluated 2025-10-13.

Conditions:
RYR1-related disorder. Also called: RYR1-related condition; RYR1-related disorders. Identifiers: MedGen CN239331.
Malignant hyperthermia, susceptibility to, 1 (MHS1). Also called: Anesthesia related hyperthermia; Malignant hyperpyrexia; Fulminating hyperpyrexia; Pharmacogenic myopathy; RYR1-Related Malignant Hyperthermia Susceptibility; Malignant hyperthermia suceptibility 1. Identifiers: Orphanet 423, MedGen C2930980, MONDO:0007783, OMIM 145600.

Allele frequency attached by ClinVar (database versions not stated): TOPMed 0.00003; gnomAD 0.00004 and 0.00003; ESP Exome Variant Server 0.00015; ExAC 0.00002; gnomAD exomes 0.00002 and 0.00003.
gnomAD v4.1: 50 of 1,613,980 alleles (0.0031%); highest among the groups gnomAD compares: African/African-American, 0.004%; no homozygotes.

Submissions (5):

Labcorp Genetics (formerly Invitae), Labcorp
Classification: Likely benign for RYR1-related disorder. Last evaluated: 2025-10-13. Review status: criteria provided, single submitter. Criteria: Invitae Variant Classification Sherloc (09022015). Collection method: clinical testing. Allele origin: germline.

Blueprint Genetics
Classification: Likely benign. Last evaluated: 2024-10-11. Review status: criteria provided, single submitter. Criteria: ACMG Guidelines, 2015. Collection method: clinical testing. Allele origin: germline.

CeGaT Center for Human Genetics Tuebingen
Classification: Likely benign. Last evaluated: 2023-01-01. Review status: criteria provided, single submitter. Criteria: CeGaT Center For Human Genetics Tuebingen Variant Classification Criteria Version 2. Collection method: clinical testing. Allele origin: germline. Affected: yes. Observed: 1 variant allele.
Comment: RYR1: BP4, BP7

Color Diagnostics, LLC DBA Color Health
Classification: Likely benign for Malignant hyperthermia, susceptibility to, 1. Last evaluated: 2022-11-06. Review status: criteria provided, single submitter. Criteria: ACMG Guidelines, 2015. Collection method: clinical testing. Allele origin: germline.

GeneDx
Classification: Likely benign. Last evaluated: 2017-02-28. Review status: criteria provided, single submitter. Criteria: GeneDx Variant Classification (06012015). Collection method: clinical testing. Allele origin: germline. Affected: yes.
Comment: This variant is considered likely benign or benign based on one or more of the following criteria: it is a conservative change, it occurs at a poorly conserved position in the protein, it is predicted to be benign by multiple in silico algorithms, and/or has population frequency not consistent with disease.